The following is an entry in ClinVar:

NM_000117.3(EMD):c.59A>G (p.Asn20Ser)

Gene: EMD (emerin; plus strand). Cytogenetic location: Xq28.
Variant type: single nucleotide variant.
Coding change: c.59A>G on transcript NM_000117.3 (MANE Select); coding-DNA position 59, A replaced by G.
Protein change: p.Asn20Ser; replaces asparagine 20 with serine.
Molecular consequence: missense variant.
Genome position (GRCh38, 1-based): chrX:154,379,543, A>G. VCF-style: chrX-154379543-A-G. GRCh37 (hg19) VCF-style: chrX-153607903-A-G.
Other names: short protein forms N20S.
Identifiers: ClinVar variation 2001617 (VCV002001617.4), dbSNP rs2522787108, ClinGen allele CA415257067.
Genomic context (GRCh38, chrX:154,379,543, plus strand): 5'-CCATGGACAACTACGCAGATCTTTCGGATACCGAGCTGACCACCTTGCTGCGCCGGTACA[A>G]CATCCCGCACGGGCCTGTAGTAGGTACGCGGCGGCGGGCGGGACCCCTTCCGGGCCCCCT-3'
Protein context (NP_000108.1, residues 10-30): TELTTLLRRY[Asn20Ser]IPHGPVVGST

ClinVar aggregate classification (germline): Uncertain significance (1 of 4 stars; one submission).

Conditions:
X-linked Emery-Dreifuss muscular dystrophy. Also called: Muscular dystrophy, tardive Emery-Dreifuss type, with contractures. Identifiers: Orphanet 261, Orphanet 98863, MedGen C0751337, MONDO:0010680.

Allele frequency attached by ClinVar (database versions not stated): gnomAD exomes below 0.00001.
gnomAD v4.1: 5 of 1,170,105 alleles (0.00043%); highest among the groups gnomAD compares: Non-Finnish European, 0.00057%; no homozygotes.

Submission:

Labcorp Genetics (formerly Invitae), Labcorp
Classification: Uncertain significance for X-linked Emery-Dreifuss muscular dystrophy. Last evaluated: 2022-06-01. Review status: criteria provided, single submitter. Criteria: Invitae Variant Classification Sherloc (09022015). Collection method: clinical testing. Allele origin: germline.
Comment: In summary, the available evidence is currently insufficient to determine the role of this variant in disease. Therefore, it has been classified as a Variant of Uncertain Significance. This sequence change replaces asparagine, which is neutral and polar, with serine, which is neutral and polar, at codon 20 of the EMD protein (p.Asn20Ser). This variant is not present in population databases (gnomAD no frequency). This variant has not been reported in the literature in individuals affected with EMD-related conditions. Algorithms developed to predict the effect of missense changes on protein structure and function are either unavailable or do not agree on the potential impact of this missense change (SIFT: "Tolerated"; PolyPhen-2: "Probably Damaging"; Align-GVGD: "Class C0").